The following is an entry in ClinVar:

ClinVar aggregate classification (germline): Benign/Likely benign. Review status: criteria provided, multiple submitters, no conflicts (2 of 4 stars). 7 submissions from 7 submitters: Benign (2); Likely benign (5). Last evaluated 2026-07-01.

Conditions:
Noonan syndrome (NS). Also called: Noonan's syndrome. Identifiers: Orphanet 648, MedGen C0028326, MeSH D009634, MONDO:0018997. Disease mechanism: gain of function.

Allele frequency attached by ClinVar (database versions not stated): 1000 Genomes Project 30x 0.00437; gnomAD exomes 0.00037 and 0.00091; ExAC 0.00109; ESP Exome Variant Server 0.00331; gnomAD 0.00347 and 0.00377; TOPMed 0.00350; 1000 Genomes Project 0.00419.

Submissions (7):

CeGaT Center for Human Genetics Tuebingen
Classification: Likely benign. Last evaluated: 2026-07-01. Review status: criteria provided, single submitter. Criteria: CeGaT Center For Human Genetics Tuebingen Variant Classification Criteria Version 2. Collection method: clinical testing. Allele origin: germline. Affected: yes. Observed: 1 variant allele.
Comment: RRAS: BP4, BP7, BS1

Labcorp Genetics (formerly Invitae), Labcorp
Classification: Benign for Noonan syndrome. Last evaluated: 2026-01-26. Review status: criteria provided, single submitter. Criteria: Invitae Variant Classification Sherloc (09022015). Collection method: clinical testing. Allele origin: germline.

Blueprint Genetics
Classification: Likely benign. Last evaluated: 2024-09-13. Review status: criteria provided, single submitter. Criteria: ACMG Guidelines, 2015. Collection method: clinical testing. Allele origin: germline.

Ambry Genetics
Classification: Likely benign. Last evaluated: 2022-02-11. Review status: criteria provided, single submitter. Criteria: Ambry Variant Classification Scheme 2023. Collection method: clinical testing. Allele origin: germline.

GeneDx
Classification: Likely benign. Last evaluated: 2020-10-26. Review status: criteria provided, single submitter. Criteria: GeneDx Variant Classification Process June 2021. Collection method: clinical testing. Allele origin: germline. Affected: yes.

Women's Health and Genetics/Laboratory Corporation of America, LabCorp
Classification: Benign. Last evaluated: 2017-04-11. Review status: criteria provided, single submitter. Criteria: LabCorp Variant Classification Summary - May 2015. Collection method: clinical testing. Allele origin: germline.
Comment: Variant summary: The RRAS c.408C>T (p.Pro136Pro) variant involves the alteration of a non-conserved nucleotide, resulting in a synonymous change. 5/5 splice prediction tools predict no significant impact on normal splicing. ESE finder predicts that this variant may affect ESE site of SF2/ASF and SC35. These predictions have yet to be confirmed by functional studies. This variant was found in 132/121062 control chromosomes from ExAC, predominantly observed in the African subpopulation at a frequency of 0.010667 (110/10312). This frequency is about 4267 times the estimated maximal expected allele frequency of a pathogenic RRAS variant (0.0000025), suggesting this is likely a benign polymorphism found primarily in the populations of African origin. The variant of interest has not, to our knowledge, been reported in affected individuals via publications. Taken together, this variant is classified as Benign.

Breakthrough Genomics
Classification: Likely benign. Review status: criteria provided, single submitter. Criteria: ACMG Guidelines, 2015. Collection method: not provided. Allele origin: germline. Inheritance: Unknown mechanism. Affected: yes.

NM_006270.5(RRAS):c.408C>T (p.Pro136=)

Gene: RRAS (RAS related; minus strand). Cytogenetic location: 19q13.33.
Variant type: single nucleotide variant.
Coding change: c.408C>T on transcript NM_006270.5 (MANE Select); coding-DNA position 408, C replaced by T.
Protein change: p.Pro136=; no amino-acid change (proline 136 retained).
Molecular consequence: synonymous variant.
Genome position (GRCh38, 1-based): chr19:49,636,664, G>A on the plus strand (C>T on the coding strand, the complement: RRAS is on the minus strand). VCF-style: chr19-49636664-G-A. GRCh37 (hg19) VCF-style: chr19-50139921-G-A.
Identifiers: ClinVar variation 457988 (VCV000457988.18), dbSNP rs114187560, ClinGen allele CA9579029.